The following is an entry in ClinVar:

NM_003664.5(AP3B1):c.439A>G (p.Ile147Val)

Gene: AP3B1 (adaptor related protein complex 3 subunit beta 1; minus strand). Cytogenetic location: 5q14.1.
Variant type: single nucleotide variant.
Coding change: c.439A>G on transcript NM_003664.5 (MANE Select); coding-DNA position 439, A replaced by G.
Protein change: p.Ile147Val; replaces isoleucine 147 with valine.
Molecular consequence: missense variant.
Genome position (GRCh38, 1-based): chr5:78,227,469, T>C on the plus strand (A>G on the coding strand, the complement: AP3B1 is on the minus strand). VCF-style: chr5-78227469-T-C. GRCh37 (hg19) VCF-style: chr5-77523293-T-C.
Other names: c.292A>G, p.Ile98Val (NM_001271769.2); short protein forms I147V, I98V.
Identifiers: ClinVar variation 1463112 (VCV001463112.8), dbSNP rs2112494710, ClinGen allele CA360191515.

ClinVar aggregate classification (germline): Uncertain significance (1 of 4 stars; one submission).

Conditions:
Hermansky-Pudlak syndrome 2 (HPS2). Also called: Platelet defects and oculocutaneous albinism. Identifiers: Orphanet 183678, Orphanet 79430, MedGen C1842362, MONDO:0011997, OMIM 608233.

Submission:

Labcorp Genetics (formerly Invitae), Labcorp
Classification: Uncertain significance for Hermansky-Pudlak syndrome 2. Last evaluated: 2023-11-27. Review status: criteria provided, single submitter. Criteria: Invitae Variant Classification Sherloc (09022015). Collection method: clinical testing. Allele origin: germline.
Comment: This sequence change replaces isoleucine, which is neutral and non-polar, with valine, which is neutral and non-polar, at codon 147 of the AP3B1 protein (p.Ile147Val). This variant is not present in population databases (gnomAD no frequency). This variant has not been reported in the literature in individuals affected with AP3B1-related conditions. ClinVar contains an entry for this variant (Variation ID: 1463112). An algorithm developed to predict the effect of missense changes on protein structure and function (PolyPhen-2) suggests that this variant is likely to be disruptive. In summary, the available evidence is currently insufficient to determine the role of this variant in disease. Therefore, it has been classified as a Variant of Uncertain Significance.